The following is an entry in ClinVar:

ClinVar aggregate classification (germline): Uncertain significance (1 of 4 stars; one submission).

gnomAD v4.1: 2 of 1,613,872 alleles (0.00012%); highest among the groups gnomAD compares: Non-Finnish European, 0.00017%; no homozygotes.

Submission:

Women's Health and Genetics/Laboratory Corporation of America, LabCorp
Classification: Uncertain significance. Last evaluated: 2025-03-14. Review status: criteria provided, single submitter. Criteria: LabCorp Variant Classification Summary - May 2015. Collection method: clinical testing. Allele origin: germline.
Comment: Variant summary: DPP6 c.-165110G>A (NM_130797) is located in the untranscribed region upstream of the DPP6 gene region. The variant was absent in 248738 control chromosomes. The available data on variant occurrences in the general population are insufficient to allow any conclusion about variant significance. To our knowledge, no occurrence of c.-165110G>A in individuals affected with Mental Retardation, Autosomal Dominant 33 and no experimental evidence demonstrating its impact on protein function have been reported. No submitters have cited clinical-significance assessments for this variant to ClinVar. Based on the evidence outlined above, the variant was classified as uncertain significance.

NM_130797.4(DPP6):c.-165110G>A

Gene: DPP6 (dipeptidyl peptidase like 6; plus strand). Cytogenetic location: 7q36.2.
Variant type: single nucleotide variant.
Coding change: c.-165110G>A on transcript NM_130797.4 (MANE Select); 165110 bases upstream of the start codon, G replaced by A.
Molecular consequence: genic upstream transcript variant. On other transcripts: missense variant (2), non-coding transcript variant (1), intron variant (4).
Genome position (GRCh38, 1-based): chr7:153,887,711, G>A. VCF-style: chr7-153887711-G-A. GRCh37 (hg19) VCF-style: chr7-153584796-G-A.
Other names: c.28G>A, p.Ala10Thr (NM_001039350.3, NM_001364501.2); c.60+138703G>A (NM_001364500.2, NM_001364499.2, NM_001364497.2 and 1 more transcripts); short protein forms A10T.
Identifiers: ClinVar variation 3895647 (VCV003895647.1).
Genomic context (GRCh38, chr7:153,887,711, plus strand): 5'-TGGACCAGAAGTCGGGTTCGGACTTGGGGCAAAATGAAGGAAAAGGCCATGATCAAGACC[G>A]CTAAGATGCAGGGGAACGTGATGGTGAGTGCCACGGACAGGGCGCGCGCTGGGTCGGGGG-3'